The following is an entry in ClinVar:

NM_021267.5(CERS1):c.82G>A (p.Gly28Ser)

Genes: CERS1 (ceramide synthase 1; minus strand), GDF1 (growth differentiation factor 1; minus strand). Cytogenetic location: 19p13.11.
Variant type: single nucleotide variant.
Coding change: c.82G>A on transcript NM_021267.5 (MANE Select); coding-DNA position 82, G replaced by A.
Protein change: p.Gly28Ser; replaces glycine 28 with serine.
Molecular consequence: missense variant. On other transcripts: 5 prime UTR variant (4), intron variant (3).
Genome position (GRCh38, 1-based): chr19:18,895,991, C>T on the plus strand (G>A on the coding strand, the complement: CERS1 is on the minus strand). VCF-style: chr19-18895991-C-T. GRCh37 (hg19) VCF-style: chr19-19006800-C-T.
Other names: c.82G>A, p.Gly28Ser (NM_001387439.1, NM_001387440.1, NM_001387441.1 and 1 more transcripts); c.-447G>A (NM_001387444.1); c.-394G>A (NM_001387445.1); c.-821G>A (NM_001387438.1); c.-1241G>A (NM_001492.6); c.-46+735G>A (NM_001387443.1); c.-46+570G>A (NM_001387442.1, NM_001290265.2); c.82G>A (NM_021267.3); short protein forms G28S.
Identifiers: ClinVar variation 1512122 (VCV001512122.9), dbSNP rs1370577039, ClinGen allele CA404868715.

ClinVar aggregate classification (germline): Uncertain significance. Review status: criteria provided, multiple submitters, no conflicts (2 of 4 stars). 2 submissions from 2 submitters: Uncertain significance (2). Last evaluated 2024-10-23.

Conditions:
Progressive myoclonic epilepsy type 8. Identifiers: Orphanet 424027, MedGen C5190825, MONDO:0014545, OMIM 616230.

Allele frequency attached by ClinVar (database versions not stated): gnomAD exomes below 0.00001; gnomAD 0.00002; TOPMed 0.00004.
gnomAD v4.1: 6 of 1,037,738 alleles (0.00058%); highest among the groups gnomAD compares: Admixed American, 0.016%; no homozygotes.

Submissions (2):

Labcorp Genetics (formerly Invitae), Labcorp
Classification: Uncertain significance for Progressive myoclonic epilepsy type 8. Last evaluated: 2024-10-23. Review status: criteria provided, single submitter. Criteria: Invitae Variant Classification Sherloc (09022015). Collection method: clinical testing. Allele origin: germline.
Comment: This sequence change replaces glycine, which is neutral and non-polar, with serine, which is neutral and polar, at codon 28 of the CERS1 protein (p.Gly28Ser). The frequency data for this variant in the population databases is considered unreliable, as metrics indicate insufficient coverage at this position in the gnomAD database. This variant has not been reported in the literature in individuals affected with CERS1-related conditions. ClinVar contains an entry for this variant (Variation ID: 1512122). An algorithm developed to predict the effect of missense changes on protein structure and function (PolyPhen-2) suggests that this variant is likely to be tolerated. In summary, the available evidence is currently insufficient to determine the role of this variant in disease. Therefore, it has been classified as a Variant of Uncertain Significance.

Ambry Genetics
Classification: Uncertain significance. Last evaluated: 2024-08-11. Review status: criteria provided, single submitter. Criteria: Ambry Variant Classification Scheme 2023. Collection method: clinical testing. Allele origin: germline.